The following is an entry in ClinVar:

ClinVar aggregate classification (germline): Uncertain significance (1 of 4 stars; one submission).

Allele frequency attached by ClinVar (database versions not stated): ExAC 0.00005; TOPMed 0.00010; gnomAD 0.00011; ESP Exome Variant Server 0.00022; gnomAD exomes 0.00025.
gnomAD v4.1: 362 of 1,551,734 alleles (0.023%); highest among the groups gnomAD compares: Non-Finnish European, 0.031%; no homozygotes.

Submission:

Labcorp Genetics (formerly Invitae), Labcorp
Classification: Uncertain significance. Last evaluated: 2024-05-15. Review status: criteria provided, single submitter. Criteria: Invitae Variant Classification Sherloc (09022015). Collection method: clinical testing. Allele origin: germline.
Comment: This sequence change replaces threonine, which is neutral and polar, with isoleucine, which is neutral and non-polar, at codon 1980 of the TET2 protein (p.Thr1980Ile). This variant is present in population databases (rs372490795, gnomAD 0.01%). This variant has not been reported in the literature in individuals affected with TET2-related conditions. ClinVar contains an entry for this variant (Variation ID: 2058136). An algorithm developed to predict the effect of missense changes on protein structure and function (PolyPhen-2) suggests that this variant is likely to be disruptive. In summary, the available evidence is currently insufficient to determine the role of this variant in disease. Therefore, it has been classified as a Variant of Uncertain Significance.

NM_001127208.3(TET2):c.5939C>T (p.Thr1980Ile)

Genes: TET2 (tet methylcytosine dioxygenase 2; plus strand), TET2-AS1 (TET2 antisense RNA 1; minus strand). Cytogenetic location: 4q24.
Variant type: single nucleotide variant.
Coding change: c.5939C>T on transcript NM_001127208.3 (MANE Select); coding-DNA position 5939, C replaced by T.
Protein change: p.Thr1980Ile; replaces threonine 1980 with isoleucine.
Molecular consequence: missense variant.
Genome position (GRCh38, 1-based): chr4:105,276,449, C>T. VCF-style: chr4-105276449-C-T. GRCh37 (hg19) VCF-style: chr4-106197606-C-T.
Other names: short protein forms T1980I.
Identifiers: ClinVar variation 2058136 (VCV002058136.2), dbSNP rs372490795, ClinGen allele CA3032305.